The following is an entry in ClinVar:

NM_001131016.2(CIZ1):c.2553C>T (p.Asn851=)

Gene: CIZ1 (CDKN1A interacting zinc finger protein 1; minus strand). Cytogenetic location: 9q34.11.
Variant type: single nucleotide variant.
Coding change: c.2553C>T on transcript NM_001131016.2 (MANE Select); coding-DNA position 2553, C replaced by T.
Protein change: p.Asn851=; no amino-acid change (asparagine 851 retained).
Molecular consequence: synonymous variant.
Genome position (GRCh38, 1-based): chr9:128,166,341, G>A on the plus strand (C>T on the coding strand, the complement: CIZ1 is on the minus strand). VCF-style: chr9-128166341-G-A. GRCh37 (hg19) VCF-style: chr9-130928620-G-A.
Other names: c.2553C>T (NM_012127.2); c.2385C>T, p.Asn795= (NM_001131015.2); c.2370C>T, p.Asn790= (NM_001131017.2); c.2313C>T, p.Asn771= (NM_001131018.2); c.2721C>T, p.Asn907= (NM_001257975.2); c.2250C>T, p.Asn750= (NM_001257976.2); c.2553C>T, p.Asn851= (NM_012127.3).
Identifiers: ClinVar variation 2011828 (VCV002011828.11), dbSNP rs376443811, ClinGen allele CA5256971.

ClinVar aggregate classification (germline): Likely benign. Review status: criteria provided, multiple submitters, no conflicts (2 of 4 stars). 3 submissions from 3 submitters: Likely benign (3). Last evaluated 2025-10-01.

Conditions:
Dystonic disorder. Also called: Dystonia. Identifiers: MedGen C0013421, MONDO:0003441, HP:0001332.

Allele frequency attached by ClinVar (database versions not stated): gnomAD 0.00003; TOPMed 0.00003; gnomAD exomes 0.00005; ExAC 0.00008; ESP Exome Variant Server 0.00015.
gnomAD v4.1: 70 of 1,564,802 alleles (0.0045%); highest among the groups gnomAD compares: Non-Finnish European, 0.0054%; no homozygotes.

Submissions (3):

CeGaT Center for Human Genetics Tuebingen
Classification: Likely benign. Last evaluated: 2025-10-01. Review status: criteria provided, single submitter. Criteria: CeGaT Center For Human Genetics Tuebingen Variant Classification Criteria Version 2. Collection method: clinical testing. Allele origin: germline. Affected: yes. Observed: 1 variant allele.
Comment: CIZ1: BP4, BP7

Labcorp Genetics (formerly Invitae), Labcorp
Classification: Likely benign for Dystonic disorder. Last evaluated: 2025-08-03. Review status: criteria provided, single submitter. Criteria: Invitae Variant Classification Sherloc (09022015). Collection method: clinical testing. Allele origin: germline.

Ambry Genetics
Classification: Likely benign. Last evaluated: 2024-07-17. Review status: criteria provided, single submitter. Criteria: Ambry Variant Classification Scheme 2023. Collection method: clinical testing. Allele origin: germline.